The following is an entry in ClinVar:

NM_002303.6(LEPR):c.1603+1G>T

Gene: LEPR (leptin receptor; plus strand). Cytogenetic location: 1p31.3.
Variant type: single nucleotide variant.
Coding change: c.1603+1G>T on transcript NM_002303.6 (MANE Select); the canonical splice donor site of the intron after coding-DNA position 1603, G replaced by T.
Molecular consequence: splice donor variant.
Genome position (GRCh38, 1-based): chr1:65,605,238, G>T. VCF-style: chr1-65605238-G-T. GRCh37 (hg19) VCF-style: chr1-66070921-G-T.
Other names: c.1603+1G>T (NM_001003679.3, NM_001003680.3, NM_001198689.2 and 2 more transcripts).
Identifiers: ClinVar variation 3345338 (VCV003345338.1).

ClinVar aggregate classification (germline): Likely pathogenic (0 of 4 stars; one submission).

Conditions:
LEPR-related disorder. Also called: LEPR-related condition; LEPR-related disorders.

Submission:

PreventionGenetics, part of Exact Sciences
Classification: Likely pathogenic for LEPR-related condition. Last evaluated: 2024-05-20. Review status: no assertion criteria provided. Collection method: clinical testing. Allele origin: germline.
Comment: The LEPR c.1603+1G>T variant is predicted to disrupt the GT donor site and interfere with normal splicing. To our knowledge, this variant has not been reported in the literature or in a large population database, indicating this variant is rare. Variants that disrupt the consensus splice donor site in LEPR are expected to be pathogenic. This variant is interpreted as likely pathogenic.